The following is an entry in ClinVar:

ClinVar aggregate classification (germline): Uncertain significance (1 of 4 stars; one submission).

Allele frequency attached by ClinVar (database versions not stated): gnomAD 0.00001; gnomAD exomes 0.00001.

Submission:

Labcorp Genetics (formerly Invitae), Labcorp
Classification: Uncertain significance. Last evaluated: 2023-03-07. Review status: criteria provided, single submitter. Criteria: Invitae Variant Classification Sherloc (09022015). Collection method: clinical testing. Allele origin: germline.
Comment: In summary, the available evidence is currently insufficient to determine the role of this variant in disease. Therefore, it has been classified as a Variant of Uncertain Significance. Experimental studies and prediction algorithms are not available or were not evaluated, and the functional significance of this variant is currently unknown. ClinVar contains an entry for this variant (Variation ID: 1471822). This variant has not been reported in the literature in individuals affected with COL9A3-related conditions. This variant is present in population databases (no rsID available, gnomAD 0.003%). This variant, c.38_49dup, results in the insertion of 4 amino acid(s) of the COL9A3 protein (p.Leu16_Gly17insValLeuLeuLeu), but otherwise preserves the integrity of the reading frame.

NM_001853.4(COL9A3):c.38_49dup (p.Leu16_Gly17insValLeuLeuLeu)

Gene: COL9A3 (collagen type IX alpha 3 chain; plus strand). Cytogenetic location: 20q13.33.
Variant type: Duplication.
Coding change: c.38_49dup on transcript NM_001853.4 (MANE Select); coding-DNA positions 38 to 49, 12 bases duplicated (TGCTCCTGCTCG).
Protein change: p.Leu16_Gly17insValLeuLeuLeu.
Molecular consequence: inframe insertion.
Genome position (GRCh38, 1-based): chr20:62,817,102-62,817,113, TGCTCCTGCTCG duplicated. VCF-style (leftmost placement, unchanged base first): chr20-62817101-C-CTGCTCCTGCTCG. GRCh37 (hg19) VCF-style: chr20-61448453-C-CTGCTCCTGCTCG.
Identifiers: ClinVar variation 1471822 (VCV001471822.8), dbSNP rs1568745782, ClinGen allele CA636331297.